The following is an entry in ClinVar:

NM_000255.4(MMUT):c.1718T>C (p.Phe573Ser)

Gene: MMUT (methylmalonyl-CoA mutase; minus strand). Cytogenetic location: 6p12.3.
Variant type: single nucleotide variant.
Coding change: c.1718T>C on transcript NM_000255.4 (MANE Select); coding-DNA position 1718, T replaced by C.
Protein change: p.Phe573Ser; replaces phenylalanine 573 with serine.
Molecular consequence: missense variant.
Genome position (GRCh38, 1-based): chr6:49,441,930, A>G on the plus strand (T>C on the coding strand, the complement: MMUT is on the minus strand). VCF-style: chr6-49441930-A-G. GRCh37 (hg19) VCF-style: chr6-49409643-A-G.
Other names: short protein forms F573S.
Identifiers: ClinVar variation 284235 (VCV000284235.12), dbSNP rs775593146, ClinGen allele CA3846763.

ClinVar aggregate classification (germline): Pathogenic/Likely pathogenic. Review status: criteria provided, multiple submitters, no conflicts (2 of 4 stars). 4 submissions from 4 submitters: Pathogenic (1); Likely pathogenic (1). 2 of the submissions do not count toward it. Last evaluated 2022-11-25.

Conditions:
MMUT-related disorder. Also called: MMUT-related condition.
Methylmalonic aciduria due to methylmalonyl-CoA mutase deficiency (MAMM). Also called: Methylmalonic aciduria, mut type. Identifiers: Orphanet 27, MedGen C1855114, MONDO:0009612, OMIM 251000.

Allele frequency attached by ClinVar (database versions not stated): gnomAD exomes below 0.00001; ExAC 0.00001; TOPMed 0.00001.
gnomAD v4.1: 1 of 1,612,042 alleles (0.000062%); highest among the groups gnomAD compares: African/African-American, 0.0013%; no homozygotes.

Submissions (4):

Labcorp Genetics (formerly Invitae), Labcorp
Classification: Pathogenic. Last evaluated: 2022-11-25. Review status: criteria provided, single submitter. Criteria: Invitae Variant Classification Sherloc (09022015). Collection method: clinical testing. Allele origin: germline.
Comment: This sequence change replaces phenylalanine, which is neutral and non-polar, with serine, which is neutral and polar, at codon 573 of the MUT protein (p.Phe573Ser). This variant is present in population databases (rs775593146, gnomAD 0.007%). This missense change has been observed in individual(s) with methylmalonic aciduria (PMID: 16281286). ClinVar contains an entry for this variant (Variation ID: 284235). Advanced modeling of protein sequence and biophysical properties (such as structural, functional, and spatial information, amino acid conservation, physicochemical variation, residue mobility, and thermodynamic stability) performed at Invitae indicates that this missense variant is not expected to disrupt MUT protein function. Experimental studies have shown that this missense change affects MUT function (PMID: 25125334). For these reasons, this variant has been classified as Pathogenic.

Eurofins Ntd Llc (ga)
Classification: Likely pathogenic. Last evaluated: 2015-11-25. Review status: criteria provided, single submitter. Criteria: EGL Classification Definitions 2015. Collection method: clinical testing. Allele origin: germline. Observed: 1 variant allele, 1 heterozygote.

PreventionGenetics, part of Exact Sciences
Classification: Pathogenic for MMUT-related condition. Last evaluated: 2024-08-15. Review status: no assertion criteria provided. Collection method: clinical testing. Allele origin: germline. Not counted in ClinVar's aggregate classification.
Comment: The MMUT c.1718T>C variant is predicted to result in the amino acid substitution p.Phe573Ser. This variant has been reported along with a second causative MMUT variant in multiple individuals with methylmalonic acidemia (Worgan et al. 2006. PubMed ID: 16281286; Liu et al. 2012. PubMed ID: 23430940; Yu et al. 2021. PubMed ID: 34668645). An in vitro experimental study suggests this variant affects protein stability and enzyme activity (Table S2, Forny et al. 2014. PubMed ID: 25125334). This variant is reported in 0.0062% of alleles in individuals of African descent in gnomAD. This variant is interpreted as pathogenic.

Counsyl
Classification: Likely pathogenic for Methylmalonic aciduria due to methylmalonyl-CoA mutase deficiency. Last evaluated: 2017-08-15. Review status: no assertion criteria provided. Collection method: clinical testing. Allele origin: unknown. Not counted in ClinVar's aggregate classification.

Literature cited by the submitters: PubMed 16281286 (cited by Labcorp Genetics (formerly Invitae), Labcorp and Counsyl); PubMed 25125334 (cited by Labcorp Genetics (formerly Invitae), Labcorp and Counsyl); PubMed 23430940 (cited by Counsyl).